The following is an entry in ClinVar:

NM_001148.6(ANK2):c.991-11T>C

Gene: ANK2 (ankyrin 2; plus strand). Cytogenetic location: 4q26.
Variant type: single nucleotide variant.
Coding change: c.991-11T>C on transcript NM_001148.6 (MANE Select); 11 bases into the intron before coding-DNA position 991, T replaced by C.
Molecular consequence: intron variant.
Genome position (GRCh38, 1-based): chr4:113,255,724, T>C. VCF-style: chr4-113255724-T-C. GRCh37 (hg19) VCF-style: chr4-114176880-T-C.
Other names: c.979-11T>C (NM_001386186.2, NM_001386148.2, NM_001354269.3); c.955-11T>C (NM_001386187.2); c.949-11T>C (NM_001386147.1, NM_001386160.1, NM_001354261.2); c.928-11T>C (NM_001354254.2, NM_001354239.2, NM_001354252.2 and 14 more transcripts); c.904-11T>C (NM_001354249.2, NM_001354266.2, NM_001354276.2 and 16 more transcripts); c.1036-11T>C (NM_001354241.2, NM_001386152.1, NM_001354237.2 and 5 more transcripts); c.991-11T>C (NM_001354225.2, NM_001354235.2, NM_001354246.2 and 9 more transcripts); c.1042-11T>C (NM_001386174.1); and 1 more.
Identifiers: ClinVar variation 388966 (VCV000388966.4), dbSNP rs199730008, ClinGen allele CA3050170.

ClinVar aggregate classification (germline): Likely benign. Review status: criteria provided, multiple submitters, no conflicts (2 of 4 stars). 2 submissions from 2 submitters: Likely benign (2). Last evaluated 2025-06-29.

Conditions:
Long QT syndrome (LQTS). Identifiers: MedGen C0023976, MeSH D008133, MONDO:0002442. Disease mechanism: loss of function. Inheritance: Various modes of inheritance.

Allele frequency attached by ClinVar (database versions not stated): ExAC 0.00001; gnomAD 0.00001; gnomAD exomes 0.00002 and 0.00006; 1000 Genomes Project 30x 0.00016; 1000 Genomes Project 0.00020.
gnomAD v4.1: 42 of 1,614,084 alleles (0.0026%); highest among the groups gnomAD compares: East Asian, 0.089%; no homozygotes.

Submissions (2):

Labcorp Genetics (formerly Invitae), Labcorp
Classification: Likely benign for Long QT syndrome. Last evaluated: 2025-06-29. Review status: criteria provided, single submitter. Criteria: Invitae Variant Classification Sherloc (09022015). Collection method: clinical testing. Allele origin: germline.

GeneDx
Classification: Likely benign. Last evaluated: 2016-09-01. Review status: criteria provided, single submitter. Criteria: GeneDx Variant Classification (06012015). Collection method: clinical testing. Allele origin: germline. Affected: yes.
Comment: This variant is considered likely benign or benign based on one or more of the following criteria: it is a conservative change, it occurs at a poorly conserved position in the protein, it is predicted to be benign by multiple in silico algorithms, and/or has population frequency not consistent with disease.